The following is an entry in ClinVar:

NM_003072.5(SMARCA4):c.656C>T (p.Thr219Met)

Gene: SMARCA4 (SWI/SNF related BAF chromatin remodeling complex subunit ATPase 4; plus strand). Cytogenetic location: 19p13.2.
Variant type: single nucleotide variant.
Coding change: c.656C>T on transcript NM_003072.5 (MANE Select); coding-DNA position 656, C replaced by T.
Protein change: p.Thr219Met; replaces threonine 219 with methionine.
Molecular consequence: missense variant. On other transcripts: non-coding transcript variant (1).
Genome position (GRCh38, 1-based): chr19:10,986,489, C>T. VCF-style: chr19-10986489-C-T. GRCh37 (hg19) VCF-style: chr19-11097165-C-T.
Other names: c.656C>T, p.Thr219Met (NM_001128844.3, NM_001128845.2, NM_001128846.2 and 5 more transcripts); short protein forms T219M.
Identifiers: ClinVar variation 470443 (VCV000470443.25), dbSNP rs371832808, ClinGen allele CA9203539.
Genomic context (GRCh38, chr19:10,986,489, plus strand): 5'-ACCTGCAGATGGCGGTGCAGGGCAAGCGGCCGATGCCCGGGATGCAGCAGCAGATGCCAA[C>T]GCTACCTCCACCCTCGGTGTCCGCAACAGGACCCGGCCCTGGCCCTGGCCCTGGCCCCGG-3'
Protein context (NP_003063.2, residues 209-229): PMPGMQQQMP[Thr219Met]LPPPSVSATG

ClinVar aggregate classification (germline): Conflicting classifications of pathogenicity. Review status: criteria provided, conflicting classifications (1 of 4 stars). 7 submissions from 7 submitters: Uncertain significance (3); Likely benign (4). Last evaluated 2026-07-06.

Conditions:
Hereditary cancer-predisposing syndrome. Also called: Tumor predisposition; Neoplastic Syndromes, Hereditary; Hereditary Cancer Syndrome; Hereditary neoplastic syndrome. Identifiers: Orphanet 140162, MedGen C0027672, MeSH D009386, MONDO:0015356.
Intellectual disability, autosomal dominant 16 (CSS4). Also called: COFFIN-SIRIS SYNDROME 4. Identifiers: Orphanet 1465, MedGen C3553249, MONDO:0013821, OMIM 614609.
Rhabdoid tumor predisposition syndrome 2 (RTPS2). Identifiers: Orphanet 231108, Orphanet 69077, MedGen C2750074, MONDO:0013224, OMIM 613325.

Allele frequency attached by ClinVar (database versions not stated): gnomAD exomes 0.00003; gnomAD 0.00004; TOPMed 0.00004; ExAC 0.00013; ESP Exome Variant Server 0.00016.
gnomAD v4.1: 53 of 1,550,508 alleles (0.0034%); highest among the groups gnomAD compares: African/African-American, 0.0096%; no homozygotes.

Submissions (7):

Myriad Genetics, Inc.
Classification: Likely benign for Rhabdoid tumor predisposition syndrome 2. Last evaluated: 2026-07-06. Review status: criteria provided, single submitter. Criteria: Myriad Autosomal Dominant, Autosomal Recessive and X-Linked Classification Criteria (2023). Collection method: clinical testing. Allele origin: unknown.
Comment: This variant is considered likely benign. This variant has been observed at a population frequency that is significantly greater than expected given the associated disease prevalence and penetrance.

Labcorp Genetics (formerly Invitae), Labcorp
Classification: Uncertain significance for Rhabdoid tumor predisposition syndrome 2. Last evaluated: 2026-01-17. Review status: criteria provided, single submitter. Criteria: Invitae Variant Classification Sherloc (09022015). Collection method: clinical testing. Allele origin: germline.
Comment: This sequence change replaces threonine, which is neutral and polar, with methionine, which is neutral and non-polar, at codon 219 of the SMARCA4 protein (p.Thr219Met). This variant is present in population databases (rs371832808, gnomAD 0.004%). This variant has not been reported in the literature in individuals affected with SMARCA4-related conditions. ClinVar contains an entry for this variant (Variation ID: 470443). Invitae Evidence Modeling of protein sequence and biophysical properties (such as structural, functional, and spatial information, amino acid conservation, physicochemical variation, residue mobility, and thermodynamic stability) has been performed for this missense variant. However, the output from this modeling did not meet the statistical confidence thresholds required to predict the impact of this variant on SMARCA4 protein function. In summary, the available evidence is currently insufficient to determine the role of this variant in disease. Therefore, it has been classified as a Variant of Uncertain Significance.

GeneDx
Classification: Uncertain significance. Last evaluated: 2024-03-28. Review status: criteria provided, single submitter. Criteria: GeneDx Variant Classification Process June 2021. Collection method: clinical testing. Allele origin: germline. Affected: yes.
Comment: In silico analysis supports that this missense variant does not alter protein structure/function; Has not been previously published as pathogenic or benign to our knowledge

Baylor Genetics
Classification: Uncertain significance for Rhabdoid tumor predisposition syndrome 2. Last evaluated: 2023-10-06. Review status: criteria provided, single submitter. Criteria: ACMG Guidelines, 2015. Collection method: clinical testing. Allele origin: unknown.

Ambry Genetics
Classification: Likely benign for Hereditary cancer-predisposing syndrome. Last evaluated: 2021-10-07. Review status: criteria provided, single submitter. Criteria: Ambry Variant Classification Scheme 2023. Collection method: clinical testing. Allele origin: germline.

Genome-Nilou Lab
Classification: Likely benign for Intellectual disability, autosomal dominant 16. Last evaluated: 2021-07-15. Review status: criteria provided, single submitter. Criteria: ACMG Guidelines, 2015. Collection method: clinical testing. Allele origin: germline. Affected: no.

St. Jude Molecular Pathology, St. Jude Children's Research Hospital
Classification: Likely benign for Rhabdoid tumor predisposition syndrome 2. Last evaluated: 2021-01-06. Review status: criteria provided, single submitter. Criteria: St. Jude Assertion Criteria 2020. Collection method: clinical testing. Allele origin: germline.
Comment: The SMARCA4 c.656C>T (p.Thr219Met) missense change has a maximum subpopulation frequency of 0.012% in gnomAD v3.1. This population frequency is higher than expected for a pathogenic variant in SMARCA4 causing Rhabdoid Tumor Predisposition Syndrome (BS1). In silico tools predict a benign effect on the gene or protein function (BP4). This variant has been identified in two individuals without a personal or family history of rhabdoid tumors or Coffin-Siris syndrome (internal data). To our knowledge, this variant has not been reported in individuals with Rhabdoid Tumor Predisposition Syndrome. In summary, this variant meets criteria to be classified as likely benign based on the ACMG/AMP criteria: BS1, BP4.